The following is an entry in ClinVar:

NC_000017.10:g.(?_19564420)_(19564601_?)del

Gene: ALDH3A2 (aldehyde dehydrogenase 3 family member A2; plus strand). Cytogenetic location: 17p11.2.
Variant type: Deletion.
Identifiers: ClinVar variation 2422991 (VCV002422991.2).

ClinVar aggregate classification (germline): Pathogenic (1 of 4 stars; one submission).

Submission:

Labcorp Genetics (formerly Invitae), Labcorp
Classification: Pathogenic. Last evaluated: 2022-10-17. Review status: criteria provided, single submitter. Criteria: Invitae Variant Classification Sherloc (09022015). Collection method: clinical testing. Allele origin: germline.
Comment: This variant is a gross deletion of the genomic region encompassing exon(s) 6 of the ALDH3A2 gene. This deletion is out-of-frame, and is expected to create a premature termination codon and result in an absent or disrupted protein product. Loss-of-function variants in ALDH3A2 are known to be pathogenic (PMID: 10577908, 10854114). This variant has not been reported in the literature in individuals affected with ALDH3A2-related conditions. For these reasons, this variant has been classified as Pathogenic.

Literature cited by the submitters: PubMed 10577908; PubMed 10854114.